The following is an entry in ClinVar:

NM_173854.6(SLC41A1):c.521G>A (p.Arg174Gln)

Gene: SLC41A1 (solute carrier family 41 member 1; minus strand). Cytogenetic location: 1q32.1.
Variant type: single nucleotide variant.
Coding change: c.521G>A on transcript NM_173854.6 (MANE Select); coding-DNA position 521, G replaced by A.
Protein change: p.Arg174Gln; replaces arginine 174 with glutamine.
Molecular consequence: missense variant.
Genome position (GRCh38, 1-based): chr1:205,799,790, C>T on the plus strand (G>A on the coding strand, the complement: SLC41A1 is on the minus strand). VCF-style: chr1-205799790-C-T. GRCh37 (hg19) VCF-style: chr1-205768918-C-T.
Other names: short protein forms R174Q.
Identifiers: ClinVar variation 2965776 (VCV002965776.3), dbSNP rs756582015, ClinGen allele CA1357379.
Genomic context (GRCh38, chr1:205,799,790, plus strand): 5'-CCCACCCTCTCTGGTCCCTGCCTTCTTACCTGGATGAGGGCCATGTTCCCAGTGATCATC[C>T]GCCAGAGCTCCTTGGGTGTGTCCATGTGTCCAATGTTGGCCTGGGAAAGGGAGGGCAAGG-3'
Protein context (NP_776253.3, residues 164-184): GHMDTPKELW[Arg174Gln]MITGNMALIQ

ClinVar aggregate classification (germline): Uncertain significance (1 of 4 stars; one submission).

Allele frequency attached by ClinVar (database versions not stated): TOPMed 0.00001; ExAC 0.00002; gnomAD 0.00003; gnomAD exomes 0.00004.
gnomAD v4.1: 57 of 1,613,942 alleles (0.0035%); highest among the groups gnomAD compares: East Asian, 0.0045%; no homozygotes.

Submission:

Labcorp Genetics (formerly Invitae), Labcorp
Classification: Uncertain significance. Last evaluated: 2023-02-17. Review status: criteria provided, single submitter. Criteria: Invitae Variant Classification Sherloc (09022015). Collection method: clinical testing. Allele origin: germline.
Comment: This sequence change replaces arginine, which is basic and polar, with glutamine, which is neutral and polar, at codon 174 of the SLC41A1 protein (p.Arg174Gln). This variant is present in population databases (rs756582015, gnomAD 0.008%). This variant has not been reported in the literature in individuals affected with SLC41A1-related conditions. An algorithm developed to predict the effect of missense changes on protein structure and function (PolyPhen-2) suggests that this variant is likely to be tolerated. In summary, the available evidence is currently insufficient to determine the role of this variant in disease. Therefore, it has been classified as a Variant of Uncertain Significance.